The following is an entry in ClinVar:

ClinVar aggregate classification (germline): Conflicting classifications of pathogenicity. Review status: criteria provided, conflicting classifications (1 of 4 stars). 5 submissions from 4 submitters: Uncertain significance (1); Likely benign (4). Last evaluated 2025-03-01.

Conditions:
Amyotrophic lateral sclerosis type 4 (ALS4). Also called: NEURONOPATHY, DISTAL HEREDITARY MOTOR, WITH PYRAMIDAL FEATURES; AMYOTROPHIC LATERAL SCLEROSIS 4, JUVENILE. Identifiers: Orphanet 357043, MedGen C1865409, MONDO:0011223, OMIM 602433.
Spinocerebellar ataxia, autosomal recessive, with axonal neuropathy 2 (SCAN2). Also called: Ataxia-ocular apraxia-2; Ataxia with Oculomotor Apraxia; ATAXIA-OCULOMOTOR APRAXIA 2; Ataxia with Oculomotor Apraxia Type 2. Identifiers: Orphanet 64753, MedGen C1853761, MONDO:0018996, OMIM 606002.

Allele frequency attached by ClinVar (database versions not stated): ExAC 0.00003; gnomAD 0.00003; gnomAD exomes 0.00003 and 0.00004; TOPMed 0.00006.
gnomAD v4.1: 62 of 1,612,836 alleles (0.0038%); highest among the groups gnomAD compares: Middle Eastern, 0.049%; no homozygotes.

Submissions (5):

Labcorp Genetics (formerly Invitae), Labcorp
Classification: Likely benign for Amyotrophic lateral sclerosis type 4; Spinocerebellar ataxia, autosomal recessive, with axonal neuropathy 2. Last evaluated: 2025-03-01. Review status: criteria provided, single submitter. Criteria: Invitae Variant Classification Sherloc (09022015). Collection method: clinical testing. Allele origin: germline.

Athena Diagnostics
Classification: Likely benign. Last evaluated: 2024-05-17. Review status: criteria provided, single submitter. Criteria: Athena Diagnostics Criteria. Collection method: clinical testing. Allele origin: unknown.

Blueprint Genetics
Classification: Likely benign. Last evaluated: 2023-10-13. Review status: criteria provided, single submitter. Criteria: ACMG Guidelines, 2015. Collection method: clinical testing. Allele origin: germline.

Illumina Laboratory Services, Illumina
Classification: Uncertain significance for Spinocerebellar ataxia, autosomal recessive, with axonal neuropathy 2. Last evaluated: 2018-01-13. Review status: criteria provided, single submitter. Criteria: ICSL Variant Classification Criteria 13 December 2019. Collection method: clinical testing. Allele origin: germline.

Illumina Laboratory Services, Illumina
Classification: Likely benign for Amyotrophic lateral sclerosis type 4. Last evaluated: 2018-01-13. Review status: criteria provided, single submitter. Criteria: ICSL Variant Classification Criteria 13 December 2019. Collection method: clinical testing. Allele origin: germline.
Comment: This variant was observed in the ICSL laboratory as part of a predisposition screen in an ostensibly healthy population. It had not been previously curated by ICSL or reported in the Human Gene Mutation Database (HGMD: prior to June 1st, 2018), and was therefore a candidate for classification through an automated scoring system. Utilizing variant allele frequency, disease prevalence and penetrance estimates, and inheritance mode, an automated score was calculated to assess if this variant is too frequent to cause the disease. Based on the score and internal cut-off values, a variant classified as likely benign is not then subjected to further curation. The score for this variant resulted in a classification of likely benign for this disease.

NM_015046.7(SETX):c.7851G>A (p.Thr2617=)

Gene: SETX (senataxin; minus strand). Cytogenetic location: 9q34.13.
Variant type: single nucleotide variant.
Coding change: c.7851G>A on transcript NM_015046.7 (MANE Select); coding-DNA position 7851, G replaced by A.
Protein change: p.Thr2617=; no amino-acid change (threonine 2617 retained).
Molecular consequence: synonymous variant.
Genome position (GRCh38, 1-based): chr9:132,264,422, C>T on the plus strand (G>A on the coding strand, the complement: SETX is on the minus strand). VCF-style: chr9-132264422-C-T. GRCh37 (hg19) VCF-style: chr9-135139809-C-T.
Other names: c.7851G>A, p.Thr2617= (NM_001351527.2); c.7938G>A, p.Thr2646= (NM_001351528.2).
Identifiers: ClinVar variation 915077 (VCV000915077.14), dbSNP rs747616517, ClinGen allele CA5296303.
Genomic context (GRCh38, chr9:132,264,422, plus strand): 5'-AGCCCTGGCCTCTCTCCTGTGACAGAGCTCCTCTTCCGGGTCATCACATTTGCTCTGACA[C>T]GTGGAAGCCTCGGGACTGGCAGCTGGAGGTTCGCCCCGCACGGGAGGTTTGTGGCTGCTC-3'
Protein context (NP_055861.3, residues 2607-2627): EPPAASPEAS[Thr2617=]CQSKCDDPEE